The following is an entry in ClinVar:

NM_001347721.2(DYRK1A):c.1373G>T (p.Arg458Leu)

Gene: DYRK1A (dual specificity tyrosine phosphorylation regulated kinase 1A; plus strand). Cytogenetic location: 21q22.13.
Variant type: single nucleotide variant.
Coding change: c.1373G>T on transcript NM_001347721.2 (MANE Select); coding-DNA position 1373, G replaced by T.
Protein change: p.Arg458Leu; replaces arginine 458 with leucine.
Molecular consequence: missense variant.
Genome position (GRCh38, 1-based): chr21:37,505,443, G>T. VCF-style: chr21-37505443-G-T. GRCh37 (hg19) VCF-style: chr21-38877746-G-T.
Other names: c.1373G>T, p.Arg458Leu (NM_001347722.2, NM_130436.2); c.1286G>T, p.Arg429Leu (NM_001347723.2); c.1400G>T, p.Arg467Leu (NM_001396.5, NM_101395.2, NM_130438.2); short protein forms R429L, R458L, R467L.
Identifiers: ClinVar variation 3344813 (VCV003344813.2).

ClinVar aggregate classification (germline): Likely pathogenic (1 of 4 stars; one submission).

Conditions:
DYRK1A-related disorder.

Submission:

PreventionGenetics, part of Exact Sciences
Classification: Likely pathogenic for DYRK1A-related condition. Last evaluated: 2024-11-19. Review status: criteria provided, single submitter. Criteria: ACMG Guidelines, 2015. Collection method: clinical testing. Allele origin: germline.
Comment: The DYRK1A c.1400G>T variant is predicted to result in the amino acid substitution p.Arg467Leu. To our knowledge, this variant has not been reported in the literature or in a large population database, indicating this variant is rare. Alternate nucleotide changes at the same codon (p.Arg467Gly, p.Arg467Gln) have been reported in the de novo state in individuals with DYRK1A-related developmental disorders (see for example, Table S1, Evers et al. 2017. PubMed ID: 28053047; Table S1, Dawidziuk et al. 2021. PubMed ID: 34946966). The c.1400G>T variant is interpreted as likely pathogenic.